The following is an entry in ClinVar:

ClinVar aggregate classification (germline): Uncertain significance. Review status: criteria provided, multiple submitters, no conflicts (2 of 4 stars). 2 submissions from 2 submitters: Uncertain significance (2). Last evaluated 2025-05-10.

Conditions:
Baller-Gerold syndrome (BGS). Also called: CRANIOSYNOSTOSIS WITH RADIAL DEFECTS. Identifiers: Orphanet 1225, MedGen C0265308, MONDO:0009039, OMIM 218600.
Inborn genetic diseases. Identifiers: MedGen C0950123, MeSH D030342.

Allele frequency attached by ClinVar (database versions not stated): gnomAD exomes below 0.00001; TOPMed 0.00001.
gnomAD v4.1: 2 of 1,613,300 alleles (0.00012%); highest among the groups gnomAD compares: African/African-American, 0.0027%; no homozygotes.

Submissions (2):

Ambry Genetics
Classification: Uncertain significance for Inborn genetic diseases. Last evaluated: 2025-05-10. Review status: criteria provided, single submitter. Criteria: Ambry Variant Classification Scheme 2023. Collection method: clinical testing. Allele origin: germline.
Comment: The p.S325F variant (also known as c.974C>T), located in coding exon 5 of the RECQL4 gene, results from a C to T substitution at nucleotide position 974. The serine at codon 325 is replaced by phenylalanine, an amino acid with highly dissimilar properties. This amino acid position is conserved. In addition, this alteration is predicted to be tolerated by in silico analysis. Based on the available evidence, the clinical significance of this variant remains unclear.

Labcorp Genetics (formerly Invitae), Labcorp
Classification: Uncertain significance for Baller-Gerold syndrome. Last evaluated: 2023-10-09. Review status: criteria provided, single submitter. Criteria: Invitae Variant Classification Sherloc (09022015). Collection method: clinical testing. Allele origin: germline.
Comment: This sequence change replaces serine, which is neutral and polar, with phenylalanine, which is neutral and non-polar, at codon 325 of the RECQL4 protein (p.Ser325Phe). This variant is not present in population databases (gnomAD no frequency). This variant has not been reported in the literature in individuals affected with RECQL4-related conditions. ClinVar contains an entry for this variant (Variation ID: 1006205). Experimental studies and prediction algorithms are not available or were not evaluated, and the functional significance of this variant is currently unknown. In summary, the available evidence is currently insufficient to determine the role of this variant in disease. Therefore, it has been classified as a Variant of Uncertain Significance.

NM_004260.4(RECQL4):c.974C>T (p.Ser325Phe)

Gene: RECQL4 (RecQ like helicase 4; minus strand). Cytogenetic location: 8q24.3.
Variant type: single nucleotide variant.
Coding change: c.974C>T on transcript NM_004260.4 (MANE Select); coding-DNA position 974, C replaced by T.
Protein change: p.Ser325Phe; replaces serine 325 with phenylalanine.
Molecular consequence: missense variant.
Genome position (GRCh38, 1-based): chr8:144,516,145, G>A on the plus strand (C>T on the coding strand, the complement: RECQL4 is on the minus strand). VCF-style: chr8-144516145-G-A. GRCh37 (hg19) VCF-style: chr8-145741529-G-A.
Other names: c.974C>T (NM_004260.3); short protein forms S325F.
Identifiers: ClinVar variation 1006205 (VCV001006205.6), dbSNP rs1441068518, ClinGen allele CA372688470.